The following is an entry in ClinVar:

ClinVar aggregate classification (germline): Uncertain significance. Review status: criteria provided, multiple submitters, no conflicts (2 of 4 stars). 4 submissions from 3 submitters: Uncertain significance (4). Last evaluated 2024-01-01.

Conditions:
Emery-Dreifuss muscular dystrophy 4, autosomal dominant (EDMD4). Also called: EMERY-DREIFUSS MUSCULAR DYSTROPHY 4 WITH VARIABLE FEATURES. Identifiers: Orphanet 261, MedGen C2751807, MONDO:0013071, OMIM 612998.
Autosomal recessive ataxia, Beauce type. Also called: SYNE1 Deficiency; Spinocerebellar ataxia, autosomal recessive 8; ATAXIA, RECESSIVE, OF BEAUCE; SYNE1-Related Autosomal Recessive Cerebellar Ataxia. Identifiers: Orphanet 88644, MedGen C1853116, MONDO:0012549, OMIM 610743.

Allele frequency attached by ClinVar (database versions not stated): TOPMed below 0.00001; gnomAD 0.00001; gnomAD exomes 0.00001.
gnomAD v4.1: 13 of 1,613,908 alleles (0.00081%); highest among the groups gnomAD compares: South Asian, 0.0022%; no homozygotes.

Submissions (4):

Labcorp Genetics (formerly Invitae), Labcorp
Classification: Uncertain significance for Emery-Dreifuss muscular dystrophy 4, autosomal dominant; Autosomal recessive ataxia, Beauce type. Last evaluated: 2024-01-01. Review status: criteria provided, single submitter. Criteria: Invitae Variant Classification Sherloc (09022015). Collection method: clinical testing. Allele origin: germline.
Comment: This sequence change replaces arginine, which is basic and polar, with glutamine, which is neutral and polar, at codon 5254 of the SYNE1 protein (p.Arg5254Gln). This variant is present in population databases (no rsID available, gnomAD 0.002%). This variant has not been reported in the literature in individuals affected with SYNE1-related conditions. ClinVar contains an entry for this variant (Variation ID: 502662). An algorithm developed to predict the effect of missense changes on protein structure and function (PolyPhen-2) suggests that this variant is likely to be disruptive. In summary, the available evidence is currently insufficient to determine the role of this variant in disease. Therefore, it has been classified as a Variant of Uncertain Significance.

Illumina Laboratory Services, Illumina
Classification: Uncertain significance for Autosomal recessive ataxia, Beauce type. Last evaluated: 2018-01-12. Review status: criteria provided, single submitter. Criteria: ICSL Variant Classification Criteria 13 December 2019. Collection method: clinical testing. Allele origin: germline.

Illumina Laboratory Services, Illumina
Classification: Uncertain significance for Emery-Dreifuss muscular dystrophy 4, autosomal dominant. Last evaluated: 2018-01-12. Review status: criteria provided, single submitter. Criteria: ICSL Variant Classification Criteria 13 December 2019. Collection method: clinical testing. Allele origin: germline.

Eurofins Ntd Llc (ga)
Classification: Uncertain significance. Last evaluated: 2017-06-20. Review status: criteria provided, single submitter. Criteria: EGL Classification Definitions 2015. Collection method: clinical testing. Allele origin: germline. Observed: 2 variant alleles, 2 heterozygotes.

NM_182961.4(SYNE1):c.15974G>A (p.Arg5325Gln)

Gene: SYNE1 (spectrin repeat containing nuclear envelope protein 1; minus strand). Cytogenetic location: 6q25.2.
Variant type: single nucleotide variant.
Coding change: c.15974G>A on transcript NM_182961.4 (MANE Select); coding-DNA position 15974, G replaced by A.
Protein change: p.Arg5325Gln; replaces arginine 5325 with glutamine.
Molecular consequence: missense variant.
Genome position (GRCh38, 1-based): chr6:152,321,830, C>T on the plus strand (G>A on the coding strand, the complement: SYNE1 is on the minus strand). VCF-style: chr6-152321830-C-T. GRCh37 (hg19) VCF-style: chr6-152642965-C-T.
Other names: c.15761G>A, p.Arg5254Gln (NM_033071.5); short protein forms R5254Q, R5325Q.
Identifiers: ClinVar variation 502662 (VCV000502662.16), dbSNP rs1233067296, ClinGen allele CA366119037.